The following is an entry in ClinVar:

ClinVar aggregate classification (germline): Uncertain significance. Review status: criteria provided, multiple submitters, no conflicts (2 of 4 stars). 3 submissions from 3 submitters: Uncertain significance (3). Last evaluated 2026-01-06.

Conditions:
UGT1A1-related disorder. Also called: UGT1A1-related disorders; UGT1A1-related condition.

Allele frequency attached by ClinVar (database versions not stated): TOPMed below 0.00001.
gnomAD v4.1: 7 of 1,614,196 alleles (0.00043%); highest among the groups gnomAD compares: South Asian, 0.0077%; no homozygotes.

Submissions (3):

Labcorp Genetics (formerly Invitae), Labcorp
Classification: Uncertain significance. Last evaluated: 2026-01-06. Review status: criteria provided, single submitter. Criteria: Invitae Variant Classification Sherloc (09022015). Collection method: clinical testing. Allele origin: germline.
Comment: This sequence change replaces glutamic acid, which is acidic and polar, with valine, which is neutral and non-polar, at codon 463 of the UGT1A1 protein (p.Glu463Val). This variant is present in population databases (rs72551358, gnomAD 0.01%). This missense change has been observed in individual(s) with hyperbilirubinemia (PMID: 23290513, 26716871). ClinVar contains an entry for this variant (Variation ID: 2203288). Invitae Evidence Modeling of protein sequence and biophysical properties (such as structural, functional, and spatial information, amino acid conservation, physicochemical variation, residue mobility, and thermodynamic stability) indicates that this missense variant is expected to disrupt UGT1A1 protein function with a positive predictive value of 80%. In summary, the available evidence is currently insufficient to determine the role of this variant in disease. Therefore, it has been classified as a Variant of Uncertain Significance.

PreventionGenetics, part of Exact Sciences
Classification: Uncertain significance for UGT1A1-related condition. Last evaluated: 2025-06-13. Review status: criteria provided, single submitter. Criteria: ACMG Guidelines, 2015. Collection method: clinical testing. Allele origin: germline.
Comment: The UGT1A1 c.1388A>T variant is predicted to result in the amino acid substitution p.Glu463Val. This variant has been reported in the heterozygous state, along with two additional heterozygous variants in UGT1A1, in an individual with unconjugated hyperbilirubinemia (Skierka et al. 2013. PubMed ID: 23290513, Patient 6). This variant was also observed in another individual with unconjugated hyperbilirubinemia along with homozygous promoter allele TA7 (Gupta et al. 2015. PubMed ID: 26716871). Alternative variant at the same codon p.Glu463Ala has been observed in heterozygous state along with homozygous promoter allele TA7 in an individual with severe hyperbilirubinemia (as c.1391A>C, Chalasani et al. 1997. PubMed ID: 9178703). This variant is reported in 0.0098% of alleles in individuals of South Asian descent in gnomAD. At this time, the clinical significance of this variant is uncertain due to the absence of conclusive functional and genetic evidence.

ARUP Laboratories, Molecular Genetics and Genomics, ARUP Laboratories
Classification: Uncertain significance. Last evaluated: 2023-02-01. Review status: criteria provided, single submitter. Criteria: ARUP Molecular Germline Variant Investigation Process 2024. Collection method: clinical testing. Allele origin: germline.
Comment: The UGT1A1 c.1388A>T; p.Glu463Val variant (rs72551358) is reported in the literature in an individual with unconjugated hyperbilirubinemia (Skierka 2013). This variant is only found on three alleles in the Genome Aggregation Database, indicating it is not a common polymorphism. Computational analyses predict that this variant is deleterious (REVEL: 0.879). Due to limited information, the clinical significance of this variant is uncertain at this time. References: Skierka JM et al. UGT1A1 genetic analysis as a diagnostic aid for individuals with unconjugated hyperbilirubinemia. J Pediatr. 2013 Jun;162(6):1146-52, 1152.e1-2. PMID: 23290513.

Literature cited by the submitters: PubMed 23290513 (cited by Labcorp Genetics (formerly Invitae), Labcorp); PubMed 26716871 (cited by Labcorp Genetics (formerly Invitae), Labcorp).

NM_000463.3(UGT1A1):c.1388A>T (p.Glu463Val)

Genes: UGT1A9 (UDP glucuronosyltransferase family 1 member A9; plus strand), UGT1A5 (UDP glucuronosyltransferase family 1 member A5; plus strand), UGT1A6 (UDP glucuronosyltransferase family 1 member A6; plus strand), UGT1A7 (UDP glucuronosyltransferase family 1 member A7; plus strand), UGT1A8 (UDP glucuronosyltransferase family 1 member A8; plus strand) and 5 more. Cytogenetic location: 2q37.1.
Variant type: single nucleotide variant.
Coding change: c.1388A>T on transcript NM_000463.3 (MANE Select); coding-DNA position 1388, A replaced by T.
Protein change: p.Glu463Val; replaces glutamic acid 463 with valine.
Molecular consequence: missense variant.
Genome position (GRCh38, 1-based): chr2:233,772,345, A>T. VCF-style: chr2-233772345-A-T. GRCh37 (hg19) VCF-style: chr2-234680991-A-T.
Other names: c.1379A>T, p.Glu460Val (NM_019075.4, NM_019076.5, NM_019077.3 and 1 more transcripts); c.1385A>T, p.Glu462Val (NM_001072.4); c.584A>T, p.Glu195Val (NM_205862.3); c.1391A>T, p.Glu464Val (NM_019078.2, NM_007120.3, NM_019093.4); short protein forms E195V, E460V, E462V, E463V, E464V.
Identifiers: ClinVar variation 2203288 (VCV002203288.8), dbSNP rs72551358, ClinGen allele CA2180112.